The following is an entry in ClinVar:

ClinVar aggregate classification (germline): Uncertain significance (1 of 4 stars; one submission).

Conditions:
Neuronal ceroid lipofuscinosis. Also called: Neuronal Ceroid Lipofuscinoses. Identifiers: Orphanet 216, Orphanet 79263, MedGen C0027877, MONDO:0016295. Disease mechanism: loss of function.

Allele frequency attached by ClinVar (database versions not stated): gnomAD exomes below 0.00001.
gnomAD v4.1: 1 of 1,611,932 alleles (0.000062%); highest among the groups gnomAD compares: Non-Finnish European, 0.000085%; no homozygotes.

Submission:

Labcorp Genetics (formerly Invitae), Labcorp
Classification: Uncertain significance for Neuronal ceroid lipofuscinosis. Last evaluated: 2022-07-28. Review status: criteria provided, single submitter. Criteria: Invitae Variant Classification Sherloc (09022015). Collection method: clinical testing. Allele origin: germline.
Comment: In summary, the available evidence is currently insufficient to determine the role of this variant in disease. Therefore, it has been classified as a Variant of Uncertain Significance. Variants that disrupt the consensus splice site are a relatively common cause of aberrant splicing (PMID: 17576681, 9536098). Algorithms developed to predict the effect of sequence changes on RNA splicing suggest that this variant may disrupt the consensus splice site. This variant has not been reported in the literature in individuals affected with CLN3-related conditions. This variant is not present in population databases (gnomAD no frequency). This sequence change falls in intron 9 of the CLN3 gene. It does not directly change the encoded amino acid sequence of the CLN3 protein. It affects a nucleotide within the consensus splice site.

Literature cited by the submitters: PubMed 17576681; PubMed 9536098.

NM_001042432.2(CLN3):c.677+5G>C

Gene: CLN3 (CLN3 lysosomal/endosomal transmembrane protein, battenin; minus strand). Cytogenetic location: 16p12.1.
Variant type: single nucleotide variant.
Coding change: c.677+5G>C on transcript NM_001042432.2 (MANE Select); 5 bases into the intron after coding-DNA position 677, G replaced by C.
Molecular consequence: intron variant.
Genome position (GRCh38, 1-based): chr16:28,486,342, C>G on the plus strand (G>C on the coding strand, the complement: CLN3 is on the minus strand). VCF-style: chr16-28486342-C-G. GRCh37 (hg19) VCF-style: chr16-28497663-C-G.
Other names: c.443+5G>C (NM_001286109.2); c.605+5G>C (NM_001286104.2); c.377+5G>C (NM_001286105.2); c.515+5G>C (NM_001286110.2); c.677+5G>C (NM_000086.2).
Identifiers: ClinVar variation 2020030 (VCV002020030.4), dbSNP rs2506481042, ClinGen allele CA2580091389.